The following is an entry in ClinVar:

NM_006648.4(WNK2):c.3589A>G (p.Thr1197Ala)

Gene: WNK2 (WNK lysine deficient protein kinase 2; plus strand). Cytogenetic location: 9q22.31.
Variant type: single nucleotide variant.
Coding change: c.3589A>G on transcript NM_006648.4 (MANE Select); coding-DNA position 3589, A replaced by G.
Protein change: p.Thr1197Ala; replaces threonine 1197 with alanine.
Molecular consequence: missense variant.
Genome position (GRCh38, 1-based): chr9:93,263,926, A>G. VCF-style: chr9-93263926-A-G. GRCh37 (hg19) VCF-style: chr9-96026208-A-G.
Other names: c.3589A>G, p.Thr1197Ala (NM_001282394.3); short protein forms T1197A.
Identifiers: ClinVar variation 3982116 (VCV003982116.1).
Genomic context (GRCh38, chr9:93,263,926, plus strand): 5'-GGGTGCACGTGTGGGTACGCCCGTGGTGGGTGCTGATGCTGCCCCTTCCAGGTGTGCAAC[A>G]CTGGGGACAAGATGGTGGAGTGCCAGCTGGAGACGCACAACCACAAGATGGTGACCTTCA-3'
Protein context (NP_006639.3, residues 1187-1207): PRLTILNVCN[Thr1197Ala]GDKMVECQLE

ClinVar aggregate classification (germline): Uncertain significance (1 of 4 stars; one submission).

gnomAD v4.1: 1 of 1,612,660 alleles (0.000062%); highest among the groups gnomAD compares: Non-Finnish European, 0.000085%; no homozygotes.

Submission:

Ambry Genetics
Classification: Uncertain significance. Last evaluated: 2025-05-25. Review status: criteria provided, single submitter. Criteria: Ambry Variant Classification Scheme 2023. Collection method: clinical testing. Allele origin: germline.
Comment: The p.T1197A variant (also known as c.3589A>G), located in coding exon 15 of the WNK2 gene, results from an A to G substitution at nucleotide position 3589. The threonine at codon 1197 is replaced by alanine, an amino acid with similar properties. This amino acid position is conserved. In addition, this alteration is predicted to be tolerated by in silico analysis. Based on the available evidence, the clinical significance of this variant remains unclear.